The following is an entry in ClinVar:

ClinVar aggregate classification (germline): Uncertain significance (1 of 4 stars; one submission).

Submission:

GeneDx
Classification: Uncertain significance. Last evaluated: 2022-12-13. Review status: criteria provided, single submitter. Criteria: GeneDx Variant Classification Process June 2021. Collection method: clinical testing. Allele origin: germline. Affected: yes.
Comment: Not observed at significant frequency in large population cohorts (gnomAD); In silico analysis supports that this missense variant has a deleterious effect on protein structure/function; Has not been previously published as pathogenic or benign to our knowledge

NM_001384125.1(BLTP1):c.10258G>C (p.Val3420Leu)

Gene: BLTP1 (bridge-like lipid transfer protein family member 1; plus strand). Cytogenetic location: 4q27.
Variant type: single nucleotide variant.
Coding change: c.10258G>C on transcript NM_001384125.1 (MANE Select); coding-DNA position 10258, G replaced by C.
Protein change: p.Val3420Leu; replaces valine 3420 with leucine.
Molecular consequence: missense variant.
Genome position (GRCh38, 1-based): chr4:122,313,633, G>C. VCF-style: chr4-122313633-G-C. GRCh37 (hg19) VCF-style: chr4-123234788-G-C.
Other names: c.10258G>C, p.Val3420Leu (NM_015312.4); short protein forms V3420L.
Identifiers: ClinVar variation 2505728 (VCV002505728.1), dbSNP rs775444513, ClinGen allele CA358087052.